The following is an entry in ClinVar:

ClinVar aggregate classification (germline): Pathogenic/Likely pathogenic. Review status: criteria provided, multiple submitters, no conflicts (2 of 4 stars). 4 submissions from 4 submitters: Pathogenic (2); Likely pathogenic (2). Last evaluated 2025-10-13.

Conditions:
Monogenic hearing loss.
Pendred syndrome (PDS). Also called: Pendred Syndrome (PDS); GOITER-DEAFNESS SYNDROME; HYPOTHYROIDISM, CONGENITAL, DUE TO DYSHORMONOGENESIS, 2B; THYROID DYSHORMONOGENESIS 2B; THYROID HORMONOGENESIS, GENETIC DEFECT IN, 2B; Pendred's syndrome. Identifiers: Orphanet 705, MedGen C0271829, MONDO:0010134, OMIM 274600.
Autosomal recessive nonsyndromic hearing loss 4 (DFNB4). Also called: Deafness, autosomal recessive 4; FOXI1-Related Pendred Syndrome; KCNJ10-Related Pendred Syndrome; NEUROSENSORY NONSYNDROMIC RECESSIVE DEAFNESS 4; Enlarged vestibular aqueduct, digenic; DEAFNESS, AUTOSOMAL RECESSIVE 4, WITH ENLARGED VESTIBULAR AQUEDUCT, DIGENIC. Identifiers: Orphanet 90636, MedGen C3538946, MONDO:0010933, OMIM 600791.

gnomAD v4.1: 16 of 1,614,126 alleles (0.00099%); highest among the groups gnomAD compares: East Asian, 0.029%; no homozygotes.

Submissions (4):

Genetics Laboratory, Great Ormond Street Hospital NHS Foundation Trust, North Thames Genomic Laboratory Hub
Classification: Likely pathogenic for Monogenic hearing loss. Last evaluated: 2025-10-13. Review status: criteria provided, single submitter. Criteria: ACGS Best Practice Guidelines for Variant Classification in Rare Disease 2024 v1.2. Collection method: clinical testing. Allele origin: germline. Affected: yes.
Comment: PM2_moderate, PP3_supporting, PS3_supporting, PM3_supporting, PP4_supporting

Women's Health and Genetics/Laboratory Corporation of America, LabCorp
Classification: Likely pathogenic for Pendred syndrome. Last evaluated: 2025-04-17. Review status: criteria provided, single submitter. Criteria: LabCorp Variant Classification Summary - May 2015. Collection method: clinical testing. Allele origin: germline.
Comment: Variant summary: SLC26A4 c.641A>G (p.Tyr214Cys) results in a non-conservative amino acid change in the encoded protein sequence. Five of five in-silico tools predict a damaging effect of the variant on protein function. The variant was absent in 251476 control chromosomes (gnomAD). c.641A>G has been observed in individuals affected with hearing loss (Wasano_2020, Nakano_2022). These data indicate that the variant is likely to be associated with disease. At least one publication reports experimental evidence evaluating an impact on protein function. The most pronounced variant effect results in 30%-50% of normal activity (Wasano_2020, Takahashi_2024). The following publications have been ascertained in the context of this evaluation (PMID: 31599023, 34801268, 34599366, 38474007). ClinVar contains an entry for this variant (Variation ID: 691509). Based on the evidence outlined above, the variant was classified as likely pathogenic.

Labcorp Genetics (formerly Invitae), Labcorp
Classification: Pathogenic. Last evaluated: 2023-03-04. Review status: criteria provided, single submitter. Criteria: Invitae Variant Classification Sherloc (09022015). Collection method: clinical testing. Allele origin: germline.
Comment: This missense change has been observed in individual(s) with clinical features of Pendred syndrome (PMID: 31599023). In at least one individual the data is consistent with being in trans (on the opposite chromosome) from a pathogenic variant. For these reasons, this variant has been classified as Pathogenic. Experimental studies have shown that this missense change affects SLC26A4 function (PMID: 31599023). Advanced modeling of protein sequence and biophysical properties (such as structural, functional, and spatial information, amino acid conservation, physicochemical variation, residue mobility, and thermodynamic stability) performed at Invitae indicates that this missense variant is expected to disrupt SLC26A4 protein function. ClinVar contains an entry for this variant (Variation ID: 691509). This variant is not present in population databases (gnomAD no frequency). This sequence change replaces tyrosine, which is neutral and polar, with cysteine, which is neutral and slightly polar, at codon 214 of the SLC26A4 protein (p.Tyr214Cys).

National Institute of Sensory Organs, National Hospital Organization Tokyo Medical Center
Classification: Pathogenic for Autosomal recessive nonsyndromic hearing loss 4. Last evaluated: 2019-08-20. Review status: criteria provided, single submitter. Criteria: ACMG Guidelines, 2015. Collection method: clinical testing, in vitro. Allele origin: maternal, paternal, germline. Inheritance: Autosomal recessive inheritance. Affected: yes. Observed: 6 compound heterozygotes. Clinical features observed: Hearing impairment (HP:0000365), Sensorineural hearing loss (HP:0000407), Moderate hearing impairment (HP:0012713), Severe hearing impairment (HP:0012714), Enlarged vestibular aqueduct (HP:0011387), Profound hearing impairment (HP:0012715). Functional consequence: loss_of_function_variant. Segregation with disease observed.
Comment: in vitro experiment

Literature cited by the submitters: PubMed 31599023 (cited by 3 submitters); PubMed 34801268 (cited by Women's Health and Genetics/Laboratory Corporation of America, LabCorp); PubMed 38474007 (cited by Women's Health and Genetics/Laboratory Corporation of America, LabCorp); PubMed 34599366 (cited by Women's Health and Genetics/Laboratory Corporation of America, LabCorp).

NM_000441.2(SLC26A4):c.641A>G (p.Tyr214Cys)

Gene: SLC26A4 (solute carrier family 26 member 4; plus strand). Cytogenetic location: 7q22.3.
Variant type: single nucleotide variant.
Coding change: c.641A>G on transcript NM_000441.2 (MANE Select); coding-DNA position 641, A replaced by G.
Protein change: p.Tyr214Cys; replaces tyrosine 214 with cysteine.
Molecular consequence: missense variant.
Genome position (GRCh38, 1-based): chr7:107,674,985, A>G. VCF-style: chr7-107674985-A-G. GRCh37 (hg19) VCF-style: chr7-107315430-A-G.
Other names: short protein forms Y214C.
Identifiers: ClinVar variation 691509 (VCV000691509.11), dbSNP rs773861155, ClinGen allele CA368831225.